The following is an entry in ClinVar:

ClinVar aggregate classification (germline): Likely benign. Review status: criteria provided, multiple submitters, no conflicts (2 of 4 stars). 3 submissions from 3 submitters: Likely benign (3). Last evaluated 2025-01-25.

Conditions:
SCLT1-related disorder. Also called: SCLT1-related condition.

Allele frequency attached by ClinVar (database versions not stated): TOPMed below 0.00001; gnomAD 0.00001.
gnomAD v4.1: 16 of 1,613,238 alleles (0.00099%); highest among the groups gnomAD compares: Non-Finnish European, 0.0013%; no homozygotes.

Submissions (3):

PreventionGenetics, part of Exact Sciences
Classification: Likely benign for SCLT1-related condition. Last evaluated: 2025-01-25. Review status: criteria provided, single submitter. Criteria: ACMG Guidelines, 2015. Collection method: clinical testing. Allele origin: germline.
Comment: This variant is classified as likely benign based on ACMG/AMP sequence variant interpretation guidelines (Richards et al. 2015 PMID: 25741868, with internal and published modifications).

Labcorp Genetics (formerly Invitae), Labcorp
Classification: Likely benign. Last evaluated: 2022-03-14. Review status: criteria provided, single submitter. Criteria: Invitae Variant Classification Sherloc (09022015). Collection method: clinical testing. Allele origin: germline.

Blueprint Genetics
Classification: Likely benign. Last evaluated: 2021-08-26. Review status: criteria provided, single submitter. Criteria: ACMG Guidelines, 2015. Collection method: clinical testing. Allele origin: germline.

NM_144643.4(SCLT1):c.981T>C (p.Tyr327=)

Gene: SCLT1 (sodium channel and clathrin linker 1; minus strand). Cytogenetic location: 4q28.2.
Variant type: single nucleotide variant.
Coding change: c.981T>C on transcript NM_144643.4 (MANE Select); coding-DNA position 981, T replaced by C.
Protein change: p.Tyr327=; no amino-acid change (tyrosine 327 retained).
Molecular consequence: synonymous variant.
Genome position (GRCh38, 1-based): chr4:128,959,666, A>G on the plus strand (T>C on the coding strand, the complement: SCLT1 is on the minus strand). VCF-style: chr4-128959666-A-G. GRCh37 (hg19) VCF-style: chr4-129880821-A-G.
Other names: c.981T>C (NM_144643.3).
Identifiers: ClinVar variation 1609425 (VCV001609425.10), dbSNP rs932401042, ClinGen allele CA105731354.